The following is an entry in ClinVar:

ClinVar aggregate classification (germline): Likely benign. Review status: criteria provided, multiple submitters, no conflicts (2 of 4 stars). 3 submissions from 3 submitters: Likely benign (2). 1 of the submissions does not count toward it. Last evaluated 2025-08-31.

Conditions:
Hereditary cancer-predisposing syndrome. Also called: Neoplastic Syndromes, Hereditary; Hereditary Cancer Syndrome; Hereditary neoplastic syndrome; Tumor predisposition. Identifiers: Orphanet 140162, MedGen C0027672, MeSH D009386, MONDO:0015356.
BRCA2-related disorder. Also called: BRCA2-related condition; BRCA2-related disorders. Identifiers: MedGen CN239275.
Hereditary breast ovarian cancer syndrome. Also called: Hereditary breast and ovarian cancer syndrome (HBOC); Hereditary breast and ovarian cancer syndrome; Breast and ovarian cancer; Hereditary breast and/or ovarian cancer syndrome; Hereditary breast and ovarian cancer; BRCA1- and BRCA2-Associated Hereditary Breast and Ovarian Cancer. Identifiers: Orphanet 145, MedGen C0677776, MeSH D061325, MONDO:0003582. Disease mechanism: loss of function.

Allele frequency attached by ClinVar (database versions not stated): TOPMed below 0.00001; gnomAD 0.00001; gnomAD exomes 0.00001.

Submissions (3):

Labcorp Genetics (formerly Invitae), Labcorp
Classification: Likely benign for Hereditary breast ovarian cancer syndrome. Last evaluated: 2025-08-31. Review status: criteria provided, single submitter. Criteria: Invitae Variant Classification Sherloc (09022015). Collection method: clinical testing. Allele origin: germline.

Color Diagnostics, LLC DBA Color Health
Classification: Likely benign for Hereditary cancer-predisposing syndrome. Last evaluated: 2016-04-27. Review status: criteria provided, single submitter. Criteria: ACMG Guidelines, 2015. Collection method: clinical testing. Allele origin: germline.

PreventionGenetics, part of Exact Sciences
Classification: Likely benign for BRCA2-related condition. Last evaluated: 2020-09-04. Review status: no assertion criteria provided. Collection method: clinical testing. Allele origin: germline. Not counted in ClinVar's aggregate classification.
Comment: This variant is classified as likely benign based on ACMG/AMP sequence variant interpretation guidelines (Richards et al. 2015 PMID: 25741868, with internal and published modifications).

NM_000059.4(BRCA2):c.7008-10C>A

Gene: BRCA2 (BRCA2 DNA repair associated; plus strand). Cytogenetic location: 13q13.1.
Variant type: single nucleotide variant.
Coding change: c.7008-10C>A on transcript NM_000059.4 (MANE Select); 10 bases into the intron before coding-DNA position 7008, C replaced by A.
Molecular consequence: intron variant.
Genome position (GRCh38, 1-based): chr13:32,354,851, C>A. VCF-style: chr13-32354851-C-A. GRCh37 (hg19) VCF-style: chr13-32928988-C-A.
Identifiers: ClinVar variation 462426 (VCV000462426.15), dbSNP rs1012059623, ClinGen allele CA247524260.